The following is an entry in ClinVar:

NM_024642.5(GALNT12):c.368C>T (p.Pro123Leu)

Gene: GALNT12 (polypeptide N-acetylgalactosaminyltransferase 12; plus strand). Cytogenetic location: 9q22.33.
Variant type: single nucleotide variant.
Coding change: c.368C>T on transcript NM_024642.5 (MANE Select); coding-DNA position 368, C replaced by T.
Protein change: p.Pro123Leu; replaces proline 123 with leucine.
Molecular consequence: missense variant.
Genome position (GRCh38, 1-based): chr9:98,808,066, C>T. VCF-style: chr9-98808066-C-T. GRCh37 (hg19) VCF-style: chr9-101570348-C-T.
Other names: short protein forms P123L.
Identifiers: ClinVar variation 2451770 (VCV002451770.3), dbSNP rs752549319, ClinGen allele CA374223197.

ClinVar aggregate classification (germline): Uncertain significance (1 of 4 stars; one submission).

Submission:

Ambry Genetics
Classification: Uncertain significance. Last evaluated: 2024-06-13. Review status: criteria provided, single submitter. Criteria: Ambry Variant Classification Scheme 2023. Collection method: clinical testing. Allele origin: germline.
Comment: The p.P123L variant (also known as c.368C>T), located in coding exon 1 of the GALNT12 gene, results from a C to T substitution at nucleotide position 368. The proline at codon 123 is replaced by leucine, an amino acid with similar properties. This amino acid position is conserved. In addition, this alteration is predicted to be tolerated by in silico analysis. The evidence for this gene-disease relationship is limited; therefore, the clinical significance of this alteration is unclear.